The following is an entry in ClinVar:

NM_001267550.2(TTN):c.77062del (p.Gln25688fs)

Genes: TTN (titin; minus strand), TTN-AS1 (TTN antisense RNA 1; plus strand). Cytogenetic location: 2q31.2.
Variant type: Deletion.
Coding change: c.77062del on transcript NM_001267550.2 (MANE Select); coding-DNA position 77062, one base deleted (C; older notation c.77062delC).
Protein change: p.Gln25688fs; shifts the reading frame from glutamine 25688.
Molecular consequence: frameshift variant.
Genome position (GRCh38, 1-based): chr2:178,569,070, G deleted on the plus strand (C on the coding strand, the reverse complement: TTN is on the minus strand); the first of 3 consecutive G bases (chr2:178,569,070-178,569,072); deleting any one gives the same sequence. VCF-style (leftmost placement, unchanged base first): chr2-178569069-TG-T. GRCh37 (hg19) VCF-style: chr2-179433796-TG-T.
Other names: c.72139del, p.Gln24047fs (NM_001256850.1); c.49867del, p.Gln16623fs (NM_003319.4); c.69358del, p.Gln23120fs (NM_133378.4); c.50242del, p.Gln16748fs (NM_133432.3); c.50443del, p.Gln16815fs (NM_133437.4); c.72139delC (NM_001256850.1); c.77062del (NM_001267550.1); short protein forms Q16623fs, Q16748fs, Q24047fs, Q16815fs, Q25688fs, Q23120fs.
Identifiers: ClinVar variation 817216 (VCV000817216.2), dbSNP rs1575716932, ClinGen allele CA915942147.

ClinVar aggregate classification (germline): Likely pathogenic (1 of 4 stars; one submission).

Submission:

GeneDx
Classification: Likely pathogenic. Last evaluated: 2024-08-08. Review status: criteria provided, single submitter. Criteria: GeneDx Variant Classification Process June 2021. Collection method: clinical testing. Allele origin: germline. Affected: yes.
Comment: Has not been previously published as pathogenic or benign to our knowledge; Not observed at significant frequency in large population cohorts (gnomAD); Frameshift variant predicted to result in protein truncation or nonsense mediated decay in a gene for which loss of function is a known mechanism of disease; This variant is associated with the following publications: (PMID: 22335739)